The following is an entry in ClinVar:

ClinVar aggregate classification (germline): Uncertain significance. Review status: criteria provided, multiple submitters, no conflicts (2 of 4 stars). 3 submissions from 3 submitters: Uncertain significance (2). 1 of the submissions does not count toward it. Last evaluated 2025-01-17.

Conditions:
Dyskeratosis congenita. Identifiers: Orphanet 1775, MedGen C0265965, MONDO:0015780.
Pulmonary fibrosis and/or bone marrow failure, Telomere-related, 3. Also called: PULMONARY FIBROSIS AND/OR BONE MARROW FAILURE SYNDROME, TELOMERE-RELATED, 3. Identifiers: Orphanet 2032, MedGen C4225346, MONDO:0014613, OMIM 616373.
Dyskeratosis congenita, autosomal recessive 5 (DKCB5). Identifiers: MedGen C3554656, MONDO:0014076, OMIM 615190.

Allele frequency attached by ClinVar (database versions not stated): gnomAD exomes below 0.00001; gnomAD 0.00001; TOPMed 0.00001.
gnomAD v4.1: 8 of 1,611,334 alleles (0.0005%); highest among the groups gnomAD compares: African/African-American, 0.0027%; no homozygotes.

Submissions (3):

GeneDx
Classification: Uncertain significance. Last evaluated: 2025-01-17. Review status: criteria provided, single submitter. Criteria: GeneDx Variant Classification Process June 2021. Collection method: clinical testing. Allele origin: germline. Affected: yes.
Comment: Reported in one proband from a cohort of patients with chronic hypersensitivity pneumonitis (PMID: 31268371); Not observed at significant frequency in large population cohorts (gnomAD); In silico analysis supports that this missense variant has a deleterious effect on protein structure/function; This variant is associated with the following publications: (PMID: 31268371)

Labcorp Genetics (formerly Invitae), Labcorp
Classification: Uncertain significance for Dyskeratosis congenita, autosomal recessive 5; Pulmonary fibrosis and/or bone marrow failure, Telomere-related, 3. Last evaluated: 2023-12-09. Review status: criteria provided, single submitter. Criteria: Invitae Variant Classification Sherloc (09022015). Collection method: clinical testing. Allele origin: germline.
Comment: This sequence change replaces arginine, which is basic and polar, with histidine, which is basic and polar, at codon 702 of the RTEL1 protein (p.Arg702His). The frequency data for this variant in the population databases is considered unreliable, as metrics indicate poor data quality at this position in the gnomAD database. This missense change has been observed in individual(s) with clinical features of RTEL1-related conditions (PMID: 31268371; Invitae). ClinVar contains an entry for this variant (Variation ID: 540933). An algorithm developed to predict the effect of missense changes on protein structure and function (PolyPhen-2) suggests that this variant is likely to be disruptive. In summary, the available evidence is currently insufficient to determine the role of this variant in disease. Therefore, it has been classified as a Variant of Uncertain Significance.

Natera, Inc.
Classification: Uncertain significance for Dyskeratosis congenita. Last evaluated: 2020-12-02. Review status: no assertion criteria provided. Collection method: clinical testing. Allele origin: germline. Not counted in ClinVar's aggregate classification.

Literature cited by the submitters: PubMed 31268371 (cited by Labcorp Genetics (formerly Invitae), Labcorp).

NM_001283009.2(RTEL1):c.2105G>A (p.Arg702His)

Genes: RTEL1 (regulator of telomere elongation helicase 1; plus strand), RTEL1-TNFRSF6B (RTEL1-TNFRSF6B readthrough (NMD candidate); plus strand). Cytogenetic location: 20q13.33.
Variant type: single nucleotide variant.
Coding change: c.2105G>A on transcript NM_001283009.2 (MANE Select); coding-DNA position 2105, G replaced by A.
Protein change: p.Arg702His; replaces arginine 702 with histidine.
Molecular consequence: missense variant. On other transcripts: non-coding transcript variant (1).
Genome position (GRCh38, 1-based): chr20:63,689,829, G>A. VCF-style: chr20-63689829-G-A. GRCh37 (hg19) VCF-style: chr20-62321182-G-A.
Other names: c.1436G>A, p.Arg479His (NM_001283010.1); c.2105G>A, p.Arg702His (NM_016434.4); c.2177G>A, p.Arg726His (NM_032957.5); short protein forms R702H, R726H, R479H.
Identifiers: ClinVar variation 540933 (VCV000540933.11), dbSNP rs1035926074, ClinGen allele CA317513155.
Genomic context (GRCh38, chr20:63,689,829, plus strand): 5'-GGTACCGGCAGCAGGCGTCCAGGGCTGTGAACCAGGCCATCGGGCGAGTGATCCGGCACC[G>A]CCAGGACTACGGAGCTGTCTTCCTCTGTGACCACAGGTGCGTGCAGTCCGGTGGCAGGCG-3'
Protein context (NP_001269938.1, residues 692-712): NQAIGRVIRH[Arg702His]QDYGAVFLCD